The following is an entry in ClinVar:

NM_182700.6(SP8):c.417C>G (p.Phe139Leu)

Gene: SP8 (Sp8 transcription factor; minus strand). Cytogenetic location: 7p21.1.
Variant type: single nucleotide variant.
Coding change: c.417C>G on transcript NM_182700.6 (MANE Select); coding-DNA position 417, C replaced by G.
Protein change: p.Phe139Leu; replaces phenylalanine 139 with leucine.
Molecular consequence: missense variant.
Genome position (GRCh38, 1-based): chr7:20,785,400, G>C on the plus strand (C>G on the coding strand, the complement: SP8 is on the minus strand). VCF-style: chr7-20785400-G-C. GRCh37 (hg19) VCF-style: chr7-20825019-G-C.
Other names: c.363C>G, p.Phe121Leu (NM_198956.4); c.417C>G (NM_182700.4); short protein forms F121L, F139L.
Identifiers: ClinVar variation 3038098 (VCV003038098.3), dbSNP rs779330461, ClinGen allele CA4177941.
Genomic context (GRCh38, chr7:20,785,400, plus strand): 5'-GCCGCCGCCGCCGCTGCCCCCGGAAACTCCGGGGGCCTGGAAAACAGAGTAGTCGTTGGC[G>C]AAGGGCGAGCTGGAGGCGGCGGCTGCGGCGGCGGCGGCGGCGGCTGCGGCGCTGCTGGAG-3'
Protein context (NP_874359.2, residues 129-149): AAAAAASSSP[Phe139Leu]ANDYSVFQAP

ClinVar aggregate classification (germline): Uncertain significance. Review status: criteria provided, single submitter (1 of 4 stars). 2 submissions from 2 submitters: Uncertain significance (1). 1 of the submissions does not count toward it. Last evaluated 2021-07-13.

Conditions:
SP8-related disorder. Also called: SP8-related condition.

Allele frequency attached by ClinVar (database versions not stated): ExAC 0.00032; TOPMed 0.00149; gnomAD 0.00211; gnomAD exomes 0.00235.
gnomAD v4.1: 2,881 of 1,257,544 alleles (0.23%); highest among the groups gnomAD compares: Non-Finnish European, 0.26%; 10 homozygotes.

Submissions (2):

Ambry Genetics
Classification: Uncertain significance. Last evaluated: 2021-07-13. Review status: criteria provided, single submitter. Criteria: Ambry Variant Classification Scheme 2023. Collection method: clinical testing. Allele origin: germline.

PreventionGenetics, part of Exact Sciences
Classification: Likely benign for SP8-related condition. Last evaluated: 2022-11-04. Review status: no assertion criteria provided. Collection method: clinical testing. Allele origin: germline. Not counted in ClinVar's aggregate classification.
Comment: This variant is classified as likely benign based on ACMG/AMP sequence variant interpretation guidelines (Richards et al. 2015 PMID: 25741868, with internal and published modifications).